The following is an entry in ClinVar:

NM_001042492.3(NF1):c.5083_5084dup (p.Leu1696fs)

Gene: NF1 (neurofibromin 1; plus strand). Cytogenetic location: 17q11.2.
Variant type: Duplication.
Coding change: c.5083_5084dup on transcript NM_001042492.3 (MANE Select); coding-DNA positions 5083 to 5084, 2 bases duplicated (CG; older notation c.5083_5084dupCG).
Protein change: p.Leu1696fs; shifts the reading frame from leucine 1696.
Molecular consequence: frameshift variant.
Genome position (GRCh38, 1-based): chr17:31,326,067-31,326,068, CG duplicated; duplicating any 2 consecutive bases within chr17:31,326,066-31,326,068 gives the same sequence; the c. name uses the placement nearest the transcript's 3' end. VCF-style (leftmost placement, unchanged base first): chr17-31326065-A-AGC. GRCh37 (hg19) VCF-style: chr17-29653083-A-AGC.
Other names: c.5020_5021dupCG (NM_000267.3); c.5020_5021dup, p.Leu1675Glyfs (NM_000267.4); short protein forms L1675fs, L1696fs.
Identifiers: ClinVar variation 404561 (VCV000404561.5), dbSNP rs1555533366, ClinGen allele CA16615270.

ClinVar aggregate classification (germline): Pathogenic (1 of 4 stars; one submission).

Conditions:
Neurofibromatosis, type 1 (NF1). Also called: Neurofibromatosis, type I; NEUROFIBROMATOSIS, TYPE I, SOMATIC; Peripheral type neurofibromatosis; VON RECKLINGHAUSEN DISEASE. Identifiers: Orphanet 636, MedGen C0027831, MONDO:0018975, OMIM 162200. Disease mechanism: loss of function.

Submission:

Labcorp Genetics (formerly Invitae), Labcorp
Classification: Pathogenic for Neurofibromatosis, type 1. Last evaluated: 2016-11-08. Review status: criteria provided, single submitter. Criteria: Invitae Variant Classification Sherloc (09022015). Collection method: clinical testing. Allele origin: germline.
Comment: This sequence change inserts 2 nucleotides in exon 36 of the NF1 mRNA (c.5020_5021dupCG), causing a frameshift at codon 1675. This creates a premature translational stop signal (p.Leu1675Glyfs*3) and is expected to result in an absent or disrupted protein product. While this particular variant has not been reported in the literature, loss-of-function variants in NF1 are known to be pathogenic (PMID: 10712197, 23913538). For these reasons, this variant has been classified as Pathogenic.

Literature cited by the submitters: PubMed 10712197; PubMed 23913538.